The following is an entry in ClinVar:

NM_004544.4(NDUFA10):c.804+12G>C

Gene: NDUFA10 (NADH:ubiquinone oxidoreductase subunit A10; minus strand). Cytogenetic location: 2q37.3.
Variant type: single nucleotide variant.
Coding change: c.804+12G>C on transcript NM_004544.4 (MANE Select); 12 bases into the intron after coding-DNA position 804, G replaced by C.
Molecular consequence: intron variant.
Genome position (GRCh38, 1-based): chr2:240,007,304, C>G on the plus strand (G>C on the coding strand, the complement: NDUFA10 is on the minus strand). VCF-style: chr2-240007304-C-G. GRCh37 (hg19) VCF-style: chr2-240946721-C-G.
Other names: c.804+12G>C (NM_001322020.2, NM_001322019.2).
Identifiers: ClinVar variation 511584 (VCV000511584.1), dbSNP rs1318677453, ClinGen allele CA540509768.

ClinVar aggregate classification (germline): Likely benign (1 of 4 stars; one submission).

Allele frequency attached by ClinVar (database versions not stated): gnomAD exomes below 0.00001.
gnomAD v4.1: 2 of 1,572,888 alleles (0.00013%); highest among the groups gnomAD compares: Non-Finnish European, 0.00017%; no homozygotes.

Submission:

GeneDx
Classification: Likely benign. Last evaluated: 2017-09-06. Review status: criteria provided, single submitter. Criteria: GeneDx Variant Classification (06012015). Collection method: clinical testing. Allele origin: germline. Affected: yes.
Comment: This variant is considered likely benign or benign based on one or more of the following criteria: it is a conservative change, it occurs at a poorly conserved position in the protein, it is predicted to be benign by multiple in silico algorithms, and/or has population frequency not consistent with disease.